The following is an entry in ClinVar:

NM_013266.4(CTNNA3):c.957T>A (p.Cys319Ter)

Gene: CTNNA3 (catenin alpha 3; minus strand). Cytogenetic location: 10q21.3.
Variant type: single nucleotide variant.
Coding change: c.957T>A on transcript NM_013266.4 (MANE Select); coding-DNA position 957, T replaced by A.
Protein change: p.Cys319Ter; replaces cysteine 319 with a stop codon.
Molecular consequence: nonsense.
Genome position (GRCh38, 1-based): chr10:67,180,407, A>T on the plus strand (T>A on the coding strand, the complement: CTNNA3 is on the minus strand). VCF-style: chr10-67180407-A-T. GRCh37 (hg19) VCF-style: chr10-68940165-A-T.
Other names: c.957T>A, p.Cys319Ter (NM_001127384.3); c.993T>A, p.Cys331Ter (NM_001291133.2); short protein forms C319*, C331*.
Identifiers: ClinVar variation 1416547 (VCV001416547.6), dbSNP rs1862472784, ClinGen allele CA377096893.

ClinVar aggregate classification (germline): Uncertain significance (1 of 4 stars; one submission).

Conditions:
Arrhythmogenic right ventricular dysplasia 13. Also called: Arrhythmogenic right ventricular dysplasia, familial, 13; ARRHYTHMOGENIC RIGHT VENTRICULAR CARDIOMYOPATHY 13. Identifiers: MedGen C3810138, MONDO:0000908, OMIM 615616.

Allele frequency attached by ClinVar (database versions not stated): gnomAD 0.00001.
gnomAD v4.1: 3 of 1,613,784 alleles (0.00019%); highest among the groups gnomAD compares: African/African-American, 0.0013%; no homozygotes.

Submission:

Labcorp Genetics (formerly Invitae), Labcorp
Classification: Uncertain significance for Arrhythmogenic right ventricular dysplasia 13. Last evaluated: 2021-07-17. Review status: criteria provided, single submitter. Criteria: Invitae Variant Classification Sherloc (09022015). Collection method: clinical testing. Allele origin: germline.
Comment: This sequence change creates a premature translational stop signal (p.Cys319*) in the CTNNA3 gene. It is expected to result in an absent or disrupted protein product. However, the current clinical and genetic evidence is not sufficient to establish whether loss-of-function variants in CTNNA3 cause disease. This variant is not present in population databases (ExAC no frequency). This variant has not been reported in the literature in individuals affected with CTNNA3-related conditions. In summary, the available evidence is currently insufficient to determine the role of this variant in disease. Therefore, it has been classified as a Variant of Uncertain Significance.